The following is an entry in ClinVar:

ClinVar aggregate classification (germline): Benign. Review status: criteria provided, multiple submitters, no conflicts (2 of 4 stars). 7 submissions from 7 submitters: Benign (6). 1 of the submissions does not count toward it. Last evaluated 2026-02-04.

Conditions:
Bardet-Biedl syndrome (BBS). Identifiers: Orphanet 110, MedGen C0752166, MONDO:0015229.
Bardet-Biedl syndrome 12 (BBS12). Identifiers: Orphanet 110, MedGen C1859570, MONDO:0014440, OMIM 615989.

Allele frequency attached by ClinVar (database versions not stated): gnomAD exomes 0.00649 and 0.01724; ExAC 0.02089; gnomAD 0.06264 and 0.06714; 1000 Genomes Project 0.06829; TOPMed 0.07097; ESP Exome Variant Server 0.07212; 1000 Genomes Project 30x 0.07573.
gnomAD v4.1: 19,421 of 1,613,914 alleles (1.2%); highest among the groups gnomAD compares: African/African-American, 21%; 1,785 homozygotes.

Submissions (7):

Labcorp Genetics (formerly Invitae), Labcorp
Classification: Benign for Bardet-Biedl syndrome. Last evaluated: 2026-02-04. Review status: criteria provided, single submitter. Criteria: Invitae Variant Classification Sherloc (09022015). Collection method: clinical testing. Allele origin: germline.

Mayo Clinic Laboratories, Mayo Clinic
Classification: Benign. Last evaluated: 2023-04-03. Review status: criteria provided, single submitter. Criteria: ACMG Guidelines, 2015. Collection method: clinical testing. Allele origin: germline. Observed: 3 variant alleles.

GeneDx
Classification: Benign. Last evaluated: 2019-03-04. Review status: criteria provided, single submitter. Criteria: GeneDx Variant Classification Process June 2021. Collection method: clinical testing. Allele origin: germline. Affected: yes.

Illumina Laboratory Services, Illumina
Classification: Benign for Bardet-Biedl syndrome 12. Last evaluated: 2018-01-13. Review status: criteria provided, single submitter. Criteria: ICSL Variant Classification Criteria 13 December 2019. Collection method: clinical testing. Allele origin: germline.
Comment: This variant was observed in the ICSL laboratory as part of a predisposition screen in an ostensibly healthy population. It had not been previously curated by ICSL or reported in the Human Gene Mutation Database (HGMD: prior to June 1st, 2018), and was therefore a candidate for classification through an automated scoring system. Utilizing variant allele frequency, disease prevalence and penetrance estimates, and inheritance mode, an automated score was calculated to assess if this variant is too frequent to cause the disease. Based on the score and internal cut-off values, a variant classified as benign is not then subjected to further curation. The score for this variant resulted in a classification of benign for this disease.

Breakthrough Genomics
Classification: Benign. Review status: criteria provided, single submitter. Criteria: ACMG Guidelines, 2015. Collection method: not provided. Allele origin: germline. Inheritance: Autosomal recessive inheritance. Affected: yes.

PreventionGenetics, part of Exact Sciences
Classification: Benign. Review status: criteria provided, single submitter. Criteria: ACMG Guidelines, 2015. Collection method: clinical testing. Allele origin: germline.

Natera, Inc.
Classification: Benign for Bardet-Biedl syndrome type 12. Last evaluated: 2020-09-16. Review status: no assertion criteria provided. Collection method: clinical testing. Allele origin: germline. Not counted in ClinVar's aggregate classification.

NM_152618.3(BBS12):c.51A>G (p.Gln17=)

Gene: BBS12 (Bardet-Biedl syndrome 12; plus strand). Cytogenetic location: 4q27.
Variant type: single nucleotide variant.
Coding change: c.51A>G on transcript NM_152618.3 (MANE Select); coding-DNA position 51, A replaced by G.
Protein change: p.Gln17=; no amino-acid change (glutamine 17 retained).
Molecular consequence: synonymous variant.
Genome position (GRCh38, 1-based): chr4:122,741,943, A>G. VCF-style: chr4-122741943-A-G. GRCh37 (hg19) VCF-style: chr4-123663098-A-G.
Other names: p.Gln17=; c.51A>G, p.Gln17= (NM_001178007.2).
Identifiers: ClinVar variation 262675 (VCV000262675.21), dbSNP rs17006077, ClinGen allele CA3069225.